The following is an entry in ClinVar:

NC_000016.9:g.(87925561_87935517)_(87970113_?)del

Gene: CA5A (carbonic anhydrase 5A; minus strand). Cytogenetic location: 16q24.2.
Variant type: Deletion.
Identifiers: ClinVar variation 1705233 (VCV001705233.1).

ClinVar aggregate classification (germline): Likely pathogenic (1 of 4 stars; one submission).

Conditions:
Hyperammonemic encephalopathy due to carbonic anhydrase VA deficiency. Also called: Carbonic Anhydrase VA Deficiency; Carbonic anhydrase VA deficiency, hyperammonemia due to. Identifiers: Orphanet 401948, MedGen C4706871, MONDO:0014332, OMIM 615751.

Submission:

Women's Health and Genetics/Laboratory Corporation of America, LabCorp
Classification: Likely pathogenic for Hyperammonemic encephalopathy due to carbonic anhydrase VA deficiency. Last evaluated: 2022-08-29. Review status: criteria provided, single submitter. Criteria: LabCorp Variant Classification Summary - May 2015. Collection method: clinical testing. Allele origin: germline.
Comment: Variant summary: The variant identified by MLPA or other technology involves the deletion of exons 1-5 in the CA5A gene. A presumed nomenclature of c.(?_-57)_(618+1_619-1)del has been designated for the purposes of this classification. Although exact breakpoints of this deletion are not known, it is expected to result in an absent or disrupted protein product, a known mechanism of disease. The variant was absent in 21694 control chromosomes (gnomAD SV). To our knowledge, no occurrence of c.(?_-57)_(618+1_619-1)del in individuals affected with Hyperammonemic Encephalopathy Due To Carbonic Anhydrase VA Deficiency and no experimental evidence demonstrating its impact on protein function have been reported. No clinical diagnostic laboratories have submitted clinical-significance assessments for this variant to ClinVar after 2014. Based on the evidence outlined above, the variant was classified as likely pathogenic.